The following is an entry in ClinVar:

NM_020738.4(KIDINS220):c.4276del (p.Ser1426fs)

Gene: KIDINS220 (kinase D interacting substrate 220; minus strand). Cytogenetic location: 2p25.1.
Variant type: Deletion.
Coding change: c.4276del on transcript NM_020738.4 (MANE Select); coding-DNA position 4276, one base deleted (T; older notation c.4276delT).
Protein change: p.Ser1426fs; shifts the reading frame from serine 1426.
Molecular consequence: frameshift variant. On other transcripts: intron variant (6).
Genome position (GRCh38, 1-based): chr2:8,731,760, A deleted on the plus strand (T on the coding strand, the reverse complement: KIDINS220 is on the minus strand). VCF-style (leftmost placement, unchanged base first): chr2-8731759-GA-G. GRCh37 (hg19) VCF-style: chr2-8871889-GA-G.
Other names: c.4279del, p.Ser1427fs (NM_001348729.2); c.4222del, p.Ser1408fs (NM_001348731.2); c.4219del, p.Ser1407fs (NM_001348732.2); c.4108del, p.Ser1370fs (NM_001348734.2); c.4105del, p.Ser1369fs (NM_001348735.2); c.3979del, p.Ser1327fs (NM_001348736.2); c.3882+1684del (NM_001348741.2, NM_001348742.2, NM_001348743.2); c.3996+1684del (NM_001348738.2); and 1 more; short protein forms S1408fs, S1370fs, S1407fs, S1427fs, S1327fs, S1369fs, S1426fs.
Identifiers: ClinVar variation 817924 (VCV000817924.1), dbSNP rs1572403809, ClinGen allele CA915943690.
Genomic context (GRCh38, chr2:8,731,759, plus strand): 5'-CCATCATCGGGCTTTGGTTCACTATCCTTCCCCTTTTCTTGCTCTAGGTTTGAATGAATA[GA>G]GCCCCCTGATGAACTCTGACCCATGTAATATGTGCTATGTGGAGAAGATCTGCCACTAAT-3'

ClinVar aggregate classification (germline): Pathogenic (1 of 4 stars; one submission).

Submission:

GeneDx
Classification: Pathogenic. Last evaluated: 2018-12-21. Review status: criteria provided, single submitter. Criteria: GeneDx Variant Classification (06012015). Collection method: clinical testing. Allele origin: germline. Affected: yes.
Comment: The c.4276delT variant in the KIDINS220 gene has not been reported previously as a pathogenic variant nor as a benign variant, to our knowledge. The 4276delT variant causes a frameshift starting with codon Serine 1426, changes this amino acid to a Leucine residue, and creates a premature Stop codon at position 6 of the new reading frame, denoted p.Ser1426LeufsX6. This frameshift variant in the C-terminus is predicted to result in protein truncation, as the last 346 amino acids are lost and replaced with 5 incorrect amino acids (Stenson et al., 2014). The p.Ser1426LeufsX6 variant is not observed in large population cohorts (Lek et al., 2016). We interpret p.Ser1426LeufsX6 as a pathogenic variant.